The following is an entry in ClinVar:

NM_018896.5(CACNA1G):c.5307G>A (p.Glu1769=)

Gene: CACNA1G (calcium voltage-gated channel subunit alpha1 G; plus strand). Cytogenetic location: 17q21.33.
Variant type: single nucleotide variant.
Coding change: c.5307G>A on transcript NM_018896.5 (MANE Select); coding-DNA position 5307, G replaced by A.
Protein change: p.Glu1769=; no amino-acid change (glutamic acid 1769 retained).
Molecular consequence: synonymous variant. On other transcripts: non-coding transcript variant (5).
Genome position (GRCh38, 1-based): chr17:50,618,223, G>A. VCF-style: chr17-50618223-G-A. GRCh37 (hg19) VCF-style: chr17-48695584-G-A.
Other names: c.5253G>A, p.Glu1751= (NM_001256324.2, NM_198386.3); c.5328G>A, p.Glu1776= (NM_001256325.2); c.5172G>A, p.Glu1724= (NM_001256326.2, NM_001256330.2); c.5286G>A, p.Glu1762= (NM_001256327.2); c.5232G>A, p.Glu1744= (NM_001256328.2); c.5205G>A, p.Glu1735= (NM_001256329.2, NM_198376.3, NM_198379.3 and 2 more transcripts); c.5151G>A, p.Glu1717= (NM_001256331.2); c.5136G>A, p.Glu1712= (NM_001256332.2); and 7 more.
Identifiers: ClinVar variation 2078630 (VCV002078630.12), dbSNP rs561371019, ClinGen allele CA8653373.

ClinVar aggregate classification (germline): Benign/Likely benign. Review status: criteria provided, multiple submitters, no conflicts (2 of 4 stars). 3 submissions from 3 submitters: Benign (2); Likely benign (1). Last evaluated 2025-03-20.

Allele frequency attached by ClinVar (database versions not stated): TOPMed 0.00004; gnomAD 0.00017; gnomAD exomes 0.00055; ExAC 0.00113; 1000 Genomes Project 0.00120; 1000 Genomes Project 30x 0.00125.
gnomAD v4.1: 845 of 1,613,604 alleles (0.052%); highest among the groups gnomAD compares: South Asian, 0.85%; 15 homozygotes.

Submissions (3):

Labcorp Genetics (formerly Invitae), Labcorp
Classification: Benign. Last evaluated: 2025-03-20. Review status: criteria provided, single submitter. Criteria: Invitae Variant Classification Sherloc (09022015). Collection method: clinical testing. Allele origin: germline.

CeGaT Center for Human Genetics Tuebingen
Classification: Benign. Last evaluated: 2025-03-01. Review status: criteria provided, single submitter. Criteria: CeGaT Center For Human Genetics Tuebingen Variant Classification Criteria Version 2. Collection method: clinical testing. Allele origin: germline. Affected: yes. Observed: 1 variant allele.
Comment: CACNA1G: BP4, BP7, BS1, BS2

Blueprint Genetics
Classification: Likely benign. Last evaluated: 2024-11-27. Review status: criteria provided, single submitter. Criteria: ACMG Guidelines, 2015. Collection method: clinical testing. Allele origin: germline.